The following is an entry in ClinVar:

NM_020821.3(VPS13C):c.1810A>G (p.Thr604Ala)

Gene: VPS13C (vacuolar protein sorting 13 homolog C; minus strand). Cytogenetic location: 15q22.2.
Variant type: single nucleotide variant.
Coding change: c.1810A>G on transcript NM_020821.3 (MANE Select); coding-DNA position 1810, A replaced by G.
Protein change: p.Thr604Ala; replaces threonine 604 with alanine.
Molecular consequence: missense variant.
Genome position (GRCh38, 1-based): chr15:61,983,924, T>C on the plus strand (A>G on the coding strand, the complement: VPS13C is on the minus strand). VCF-style: chr15-61983924-T-C. GRCh37 (hg19) VCF-style: chr15-62276123-T-C.
Other names: c.1810A>G, p.Thr604Ala (NM_001018088.3); c.1681A>G, p.Thr561Ala (NM_017684.5, NM_018080.4); short protein forms T604A, T561A.
Identifiers: ClinVar variation 1373260 (VCV001373260.4), dbSNP rs1433229502, ClinGen allele CA392683277.

ClinVar aggregate classification (germline): Uncertain significance (1 of 4 stars; one submission).

Allele frequency attached by ClinVar (database versions not stated): gnomAD exomes below 0.00001; gnomAD 0.00001; TOPMed 0.00001.
gnomAD v4.1: 6 of 1,614,042 alleles (0.00037%); highest among the groups gnomAD compares: African/African-American, 0.004%; no homozygotes.

Submission:

Labcorp Genetics (formerly Invitae), Labcorp
Classification: Uncertain significance. Last evaluated: 2022-01-02. Review status: criteria provided, single submitter. Criteria: Invitae Variant Classification Sherloc (09022015). Collection method: clinical testing. Allele origin: germline.
Comment: Algorithms developed to predict the effect of missense changes on protein structure and function output the following: SIFT: "Tolerated"; PolyPhen-2: "Benign"; Align-GVGD: "Class C0". The alanine amino acid residue is found in multiple mammalian species, which suggests that this missense change does not adversely affect protein function. This variant has not been reported in the literature in individuals affected with VPS13C-related conditions. This variant is not present in population databases (gnomAD no frequency). This sequence change replaces threonine, which is neutral and polar, with alanine, which is neutral and non-polar, at codon 604 of the VPS13C protein (p.Thr604Ala). In summary, the available evidence is currently insufficient to determine the role of this variant in disease. Therefore, it has been classified as a Variant of Uncertain Significance.